The following is an entry in ClinVar:

NM_021971.4(GMPPB):c.569C>G (p.Pro190Arg)

Gene: GMPPB (GDP-mannose pyrophosphorylase B; minus strand). Cytogenetic location: 3p21.31.
Variant type: single nucleotide variant.
Coding change: c.569C>G on transcript NM_021971.4 (MANE Select); coding-DNA position 569, C replaced by G.
Protein change: p.Pro190Arg; replaces proline 190 with arginine.
Molecular consequence: missense variant.
Genome position (GRCh38, 1-based): chr3:49,722,503, G>C on the plus strand (C>G on the coding strand, the complement: GMPPB is on the minus strand). VCF-style: chr3-49722503-G-C. GRCh37 (hg19) VCF-style: chr3-49759936-G-C.
Other names: c.569C>G, p.Pro190Arg (NM_013334.4); short protein forms P190R.
Identifiers: ClinVar variation 566780 (VCV000566780.6), dbSNP rs1559697016, ClinGen allele CA352828513.

ClinVar aggregate classification (germline): Uncertain significance (1 of 4 stars; one submission).

Conditions:
Muscular dystrophy-dystroglycanopathy (congenital with brain and eye anomalies), type A14. Also called: Congenital Muscular Dystrophy-Dystroglycanopathy with Brain and Eye Anomalies Type A 14; Congenital muscular dystrophy-dystroglycanopathy with brain and eye anomalies, type A14; Muscular dystrophy-dystroglycanopathy (congenital with brain and eye anomalies), type a, 14; WALKER-WARBURG SYNDROME OR MUSCLE-EYE-BRAIN DISEASE, GMPPB-RELATED. Identifiers: Orphanet 588, MedGen C3809216, MONDO:0014140, OMIM 615350.
Muscular dystrophy-dystroglycanopathy (congenital with impaired intellectual development), type B, 14. Also called: Congenital muscular dystrophy-dystroglycanopathy with mental retardation, type B14; MUSCULAR DYSTROPHY, CONGENITAL, GMPPB-RELATED; Muscular dystrophy-dystroglycanopathy (congenital with intellectual disability), type B14. Identifiers: MedGen C3809221, MONDO:0014141, OMIM 615351.
Autosomal recessive limb-girdle muscular dystrophy type 2T. Also called: Limb-girdle muscular dystrophy-dystroglycanopathy, type C14; Muscular dystrophy-dystroglycanopathy (limb-girdle), type c, 14; MUSCULAR DYSTROPHY-DYSTROGLYCANOPATHY, LIMB-GIRDLE, GMPPB-RELATED; MUSCULAR DYSTROPHY, LIMB-GIRDLE, TYPE 2T. Identifiers: Orphanet 363623, MedGen C4518000, MONDO:0014142, OMIM 615352.

Submission:

Labcorp Genetics (formerly Invitae), Labcorp
Classification: Uncertain significance for Autosomal recessive limb-girdle muscular dystrophy type 2T; Muscular dystrophy-dystroglycanopathy (congenital with brain and eye anomalies), type A14; Muscular dystrophy-dystroglycanopathy (congenital with impaired intellectual development), type B, 14. Last evaluated: 2022-11-01. Review status: criteria provided, single submitter. Criteria: Invitae Variant Classification Sherloc (09022015). Collection method: clinical testing. Allele origin: germline.
Comment: This variant is not present in population databases (gnomAD no frequency). This sequence change replaces proline, which is neutral and non-polar, with arginine, which is basic and polar, at codon 190 of the GMPPB protein (p.Pro190Arg). This variant has not been reported in the literature in individuals affected with GMPPB-related conditions. In summary, the available evidence is currently insufficient to determine the role of this variant in disease. Therefore, it has been classified as a Variant of Uncertain Significance. Advanced modeling of protein sequence and biophysical properties (such as structural, functional, and spatial information, amino acid conservation, physicochemical variation, residue mobility, and thermodynamic stability) performed at Invitae indicates that this missense variant is not expected to disrupt GMPPB protein function. ClinVar contains an entry for this variant (Variation ID: 566780).